The following is an entry in ClinVar:

NC_000016.9:g.(?_89815047)_(89862446_?)del

Gene: FANCA (FA complementation group A; minus strand). Cytogenetic location: 16q24.3.
Variant type: Deletion.
Identifiers: ClinVar variation 3243243 (VCV003243243.1).

ClinVar aggregate classification (germline): Pathogenic (1 of 4 stars; one submission).

Conditions:
Fanconi anemia (FA). Also called: Fanconi's anemia. Identifiers: Orphanet 84, MedGen C0015625, MeSH D005199, MONDO:0019391.

Submission:

Labcorp Genetics (formerly Invitae), Labcorp
Classification: Pathogenic for Fanconi anemia. Last evaluated: 2023-04-28. Review status: criteria provided, single submitter. Criteria: Invitae Variant Classification Sherloc (09022015). Collection method: clinical testing. Allele origin: unknown.
Comment: This variant is a gross deletion of the genomic region encompassing exon(s) 11-33 of the FANCA gene. This deletion is out-of-frame, and is expected to create a premature termination codon and result in an absent or disrupted protein product. Loss-of-function variants in FANCA are known to be pathogenic (PMID: 19367192). A similar copy number variant has been observed in individual(s) with clinical features of Fanconi anemia (PMID: 17924555). For these reasons, this variant has been classified as Pathogenic.

Literature cited by the submitters: PubMed 19367192; PubMed 17924555.